The following is an entry in ClinVar:

ClinVar aggregate classification (germline): Conflicting classifications of pathogenicity. Review status: criteria provided, conflicting classifications (1 of 4 stars). 2 submissions from 2 submitters: Uncertain significance (1); Benign (1). Last evaluated 2026-09-04.

Conditions:
Renal cell carcinoma. Identifiers: Orphanet 217071, MedGen C0007134, MeSH D002292, MONDO:0005086, HP:0005584.
Hereditary cancer-predisposing syndrome. Also called: Neoplastic Syndromes, Hereditary; Hereditary Cancer Syndrome; Tumor predisposition; Hereditary neoplastic syndrome. Identifiers: Orphanet 140162, MedGen C0027672, MeSH D009386, MONDO:0015356.

Allele frequency attached by ClinVar (database versions not stated): gnomAD exomes below 0.00001 and 0.00001; ExAC 0.00001.
gnomAD v4.1: 3 of 1,614,210 alleles (0.00019%); highest among the groups gnomAD compares: Non-Finnish European, 0.00025%; no homozygotes.

Submissions (2):

Ambry Genetics
Classification: Benign for Hereditary cancer-predisposing syndrome. Last evaluated: 2026-09-04. Review status: criteria provided, single submitter. Criteria: Ambry Variant Classification Scheme 2023. Collection method: clinical testing. Allele origin: germline.

Labcorp Genetics (formerly Invitae), Labcorp
Classification: Uncertain significance for Renal cell carcinoma. Last evaluated: 2025-12-30. Review status: criteria provided, single submitter. Criteria: Invitae Variant Classification Sherloc (09022015). Collection method: clinical testing. Allele origin: germline.
Comment: This sequence change replaces serine, which is neutral and polar, with glycine, which is neutral and non-polar, at codon 1092 of the MET protein (p.Ser1092Gly). This variant is present in population databases (rs764947837, gnomAD 0.002%). This variant has not been reported in the literature in individuals affected with MET-related conditions. ClinVar contains an entry for this variant (Variation ID: 943852). Invitae Evidence Modeling of protein sequence and biophysical properties (such as structural, functional, and spatial information, amino acid conservation, physicochemical variation, residue mobility, and thermodynamic stability) indicates that this missense variant is not expected to disrupt MET protein function with a negative predictive value of 80%. In summary, the available evidence is currently insufficient to determine the role of this variant in disease. Therefore, it has been classified as a Variant of Uncertain Significance.

NM_000245.4(MET):c.3220A>G (p.Ser1074Gly)

Gene: MET (MET proto-oncogene, receptor tyrosine kinase; plus strand). Cytogenetic location: 7q31.2.
Variant type: single nucleotide variant.
Coding change: c.3220A>G on transcript NM_000245.4 (MANE Select); coding-DNA position 3220, A replaced by G.
Protein change: p.Ser1074Gly; replaces serine 1074 with glycine.
Molecular consequence: missense variant.
Genome position (GRCh38, 1-based): chr7:116,775,072, A>G. VCF-style: chr7-116775072-A-G. GRCh37 (hg19) VCF-style: chr7-116415126-A-G.
Other names: c.3274A>G, p.Ser1092Gly (NM_001127500.3); c.1930A>G, p.Ser644Gly (NM_001324402.2); short protein forms S1074G, S644G, S1092G.
Identifiers: ClinVar variation 943852 (VCV000943852.14), dbSNP rs764947837, ClinGen allele CA4448664.